The following is an entry in ClinVar:

ClinVar aggregate classification (germline): Uncertain significance (1 of 4 stars; one submission).

Conditions:
Melnick-Needles syndrome (MNS). Also called: MELNICK-NEEDLES OSTEODYSPLASTY; Melnick-Needles Syndrome (FLNA-MNS); OSTEODYSPLASTY OF MELNICK AND NEEDLES. Identifiers: Orphanet 2484, MedGen C0025237, MONDO:0010650, OMIM 309350.
Frontometaphyseal dysplasia (FMD1). Identifiers: Orphanet 1826, MedGen C0265293, MONDO:0015942.
Heterotopia, periventricular, X-linked dominant (PVNH1). Also called: PERIVENTRICULAR NODULAR HETEROTOPIA 1; X-linked periventricular heterotopia; PERIVENTRICULAR NODULAR HETEROTOPIA 4; HETEROTOPIA, PERIVENTRICULAR, 1. Identifiers: Orphanet 2149, Orphanet 82004, MedGen C1848213, MONDO:0010233, OMIM 300049.
Oto-palato-digital syndrome, type II (OPD2). Also called: FACIOPALATOOSSEOUS SYNDROME; Otopalatodigital Syndrome Type 2 (FLNA-OPD2); OPD II SYNDROME; Otopalatodigital Syndrome, Type II. Identifiers: Orphanet 669, Orphanet 90652, MedGen C1844696, MONDO:0010571, OMIM 304120.

gnomAD v4.1: 1 of 1,205,058 alleles (0.000083%); highest among the groups gnomAD compares: Non-Finnish European, 0.00011%; no homozygotes.

Submission:

Labcorp Genetics (formerly Invitae), Labcorp
Classification: Uncertain significance for Oto-palato-digital syndrome, type II; Heterotopia, periventricular, X-linked dominant; Frontometaphyseal dysplasia; Melnick-Needles syndrome. Last evaluated: 2022-07-06. Review status: criteria provided, single submitter. Criteria: Invitae Variant Classification Sherloc (09022015). Collection method: clinical testing. Allele origin: germline.
Comment: In summary, the available evidence is currently insufficient to determine the role of this variant in disease. Therefore, it has been classified as a Variant of Uncertain Significance. Advanced modeling of protein sequence and biophysical properties (such as structural, functional, and spatial information, amino acid conservation, physicochemical variation, residue mobility, and thermodynamic stability) performed at Invitae indicates that this missense variant is not expected to disrupt FLNA protein function. ClinVar contains an entry for this variant (Variation ID: 1421933). This variant has not been reported in the literature in individuals affected with FLNA-related conditions. This variant is not present in population databases (gnomAD no frequency). This sequence change replaces phenylalanine, which is neutral and non-polar, with leucine, which is neutral and non-polar, at codon 2303 of the FLNA protein (p.Phe2303Leu).

NM_001110556.2(FLNA):c.6933C>A (p.Phe2311Leu)

Gene: FLNA (filamin A; minus strand). Cytogenetic location: Xq28.
Variant type: single nucleotide variant.
Coding change: c.6933C>A on transcript NM_001110556.2 (MANE Select); coding-DNA position 6933, C replaced by A.
Protein change: p.Phe2311Leu; replaces phenylalanine 2311 with leucine.
Molecular consequence: missense variant.
Genome position (GRCh38, 1-based): chrX:154,351,671, G>T on the plus strand (C>A on the coding strand, the complement: FLNA is on the minus strand). VCF-style: chrX-154351671-G-T. GRCh37 (hg19) VCF-style: chrX-153580039-G-T.
Other names: c.6909C>A, p.Phe2303Leu (NM_001456.4); short protein forms F2303L, F2311L.
Identifiers: ClinVar variation 1421933 (VCV001421933.6), dbSNP rs2148103163, ClinGen allele CA415185940.